The following is an entry in ClinVar:

ClinVar aggregate classification (germline): Uncertain significance (1 of 4 stars; one submission).

Conditions:
Inborn genetic diseases. Identifiers: MedGen C0950123, MeSH D030342.

Submission:

Ambry Genetics
Classification: Uncertain significance for Inborn genetic diseases. Last evaluated: 2025-02-08. Review status: criteria provided, single submitter. Criteria: Ambry Variant Classification Scheme 2023. Collection method: clinical testing. Allele origin: germline.
Comment: The p.P153T variant (also known as c.457C>A), located in coding exon 1 of the CEBPA gene, results from a C to A substitution at nucleotide position 457. The proline at codon 153 is replaced by threonine, an amino acid with highly similar properties. This amino acid position is conserved. In addition, this alteration is predicted to be tolerated by in silico analysis. Based on the available evidence, the clinical significance of this variant remains unclear.

NM_004364.5(CEBPA):c.457C>A (p.Pro153Thr)

Gene: CEBPA (CCAAT enhancer binding protein alpha; minus strand). Cytogenetic location: 19q13.11.
Variant type: single nucleotide variant.
Coding change: c.457C>A on transcript NM_004364.5 (MANE Select); coding-DNA position 457, C replaced by A.
Protein change: p.Pro153Thr; replaces proline 153 with threonine.
Molecular consequence: missense variant.
Genome position (GRCh38, 1-based): chr19:33,301,958, G>T on the plus strand (C>A on the coding strand, the complement: CEBPA is on the minus strand). VCF-style: chr19-33301958-G-T. GRCh37 (hg19) VCF-style: chr19-33792864-G-T.
Other names: c.100C>A, p.Pro34Thr (NM_001285829.2); c.562C>A, p.Pro188Thr (NM_001287424.2); c.415C>A, p.Pro139Thr (NM_001287435.2); short protein forms P34T, P139T, P153T, P188T.
Identifiers: ClinVar variation 3831221 (VCV003831221.1).